The following is an entry in ClinVar:

ClinVar aggregate classification (germline): Conflicting classifications of pathogenicity. Review status: criteria provided, conflicting classifications (1 of 4 stars). 4 submissions from 4 submitters: Pathogenic (1); Likely pathogenic (1); Uncertain significance (2). Last evaluated 2026-07-17.

Conditions:
Muscular dystrophy-dystroglycanopathy (congenital with brain and eye anomalies), type a, 10 (MDDGA10). Also called: WALKER-WARBURG SYNDROME OR MUSCLE-EYE-BRAIN DISEASE, TMEM5-RELATED. Identifiers: Orphanet 899, MedGen C3554381, MONDO:0014022, OMIM 615041.
Inborn genetic diseases. Identifiers: MedGen C0950123, MeSH D030342.

Allele frequency attached by ClinVar (database versions not stated): gnomAD 0.00001; ExAC 0.00001; gnomAD exomes below 0.00001; TOPMed below 0.00001.
gnomAD v4.1: 8 of 1,572,788 alleles (0.00051%); highest among the groups gnomAD compares: Non-Finnish European, 0.0006%; no homozygotes.

Submissions (4):

Ambry Genetics
Classification: Uncertain significance for Inborn genetic diseases. Last evaluated: 2026-07-17. Review status: criteria provided, single submitter. Criteria: Ambry Variant Classification Scheme 2023. Collection method: clinical testing. Allele origin: germline.
Comment: The c.429-2A>G intronic alteration consists of an A to G substitution two nucleotides before exon 4 of the TMEM5 gene. Alterations that disrupt the canonical splice acceptor site are typically deleterious in nature (Richards, 2015). Based on data from gnomAD, the G allele has an overall frequency of <0.001% (1/224006) total alleles studied. The highest observed frequency was 0.001% (1/105078) of European (non-Finnish) alleles. Based on insufficient or conflicting evidence, the clinical significance of this alteration remains unclear.

Dasa
Classification: Uncertain significance. Last evaluated: 2025-05-13. Review status: criteria provided, single submitter. Criteria: DASA Assertion Criteria. Collection method: clinical testing. Allele origin: germline.
Comment: NM_014254.3(RXYLT1):c.429-2A>G affects a canonical splice site and is predicted to disrupt normal RNA splicing. This variant is rare in population databases. The currently available literature and clinical evidence are not sufficient to establish a definitive association between this variant and the reported condition. Therefore, this variant is classified as a variant of uncertain significance.

Labcorp Genetics (formerly Invitae), Labcorp
Classification: Likely pathogenic. Last evaluated: 2023-08-14. Review status: criteria provided, single submitter. Criteria: Invitae Variant Classification Sherloc (09022015). Collection method: clinical testing. Allele origin: germline.
Comment: This variant has not been reported in the literature in individuals affected with RXYLT1-related conditions. In summary, the currently available evidence indicates that the variant is pathogenic, but additional data are needed to prove that conclusively. Therefore, this variant has been classified as Likely Pathogenic. Algorithms developed to predict the effect of sequence changes on RNA splicing suggest that this variant may disrupt the consensus splice site. ClinVar contains an entry for this variant (Variation ID: 1686135). This variant is present in population databases (rs199605239, gnomAD 0.001%). This sequence change affects an acceptor splice site in intron 3 of the RXYLT1 gene. It is expected to disrupt RNA splicing. Variants that disrupt the donor or acceptor splice site typically lead to a loss of protein function (PMID: 16199547), and loss-of-function variants in RXYLT1 are known to be pathogenic (PMID: 23217329, 23519211, 31742715).

Mendelics
Classification: Pathogenic for Muscular dystrophy-dystroglycanopathy (congenital with brain and eye anomalies), type a, 10. Last evaluated: 2022-05-04. Review status: criteria provided, single submitter. Criteria: Mendelics Assertion Criteria 2019. Collection method: clinical testing. Allele origin: germline.

Literature cited by the submitters: PubMed 16199547 (cited by Labcorp Genetics (formerly Invitae), Labcorp); PubMed 23217329 (cited by Labcorp Genetics (formerly Invitae), Labcorp); PubMed 23519211 (cited by Labcorp Genetics (formerly Invitae), Labcorp); PubMed 31742715 (cited by Labcorp Genetics (formerly Invitae), Labcorp).

NM_014254.3(RXYLT1):c.429-2A>G

Gene: RXYLT1 (ribitol xylosyltransferase 1; plus strand). Cytogenetic location: 12q14.2.
Variant type: single nucleotide variant.
Coding change: c.429-2A>G on transcript NM_014254.3 (MANE Select); the canonical splice acceptor site of the intron before coding-DNA position 429, A replaced by G.
Molecular consequence: splice acceptor variant.
Genome position (GRCh38, 1-based): chr12:63,802,089, A>G. VCF-style: chr12-63802089-A-G. GRCh37 (hg19) VCF-style: chr12-64195869-A-G.
Other names: c.-352-2A>G (NM_001278237.2); c.429-2A>G (NM_014254.1).
Identifiers: ClinVar variation 1686135 (VCV001686135.7), dbSNP rs199605239, ClinGen allele CA6666113.